The following is an entry in ClinVar:

NM_032040.5(CCDC8):c.1107_1178dup (p.Arg376_Gln399dup)

Gene: CCDC8 (coiled-coil domain containing 8; minus strand). Cytogenetic location: 19q13.32.
Variant type: Duplication.
Coding change: c.1107_1178dup on transcript NM_032040.5 (MANE Select); coding-DNA positions 1107 to 1178, 72 bases duplicated.
Protein change: p.Arg376_Gln399dup.
Molecular consequence: inframe insertion.
Genome position (GRCh38, 1-based): chr19:46,411,633-46,411,704, 72 bases duplicated. GRCh37 (hg19): chr19:46,914,919-46,914,990.
Identifiers: ClinVar variation 1384303 (VCV001384303.5), dbSNP rs1568589116, ClinGen allele CA996394931.

ClinVar aggregate classification (germline): Uncertain significance (1 of 4 stars; one submission).

Submission:

Labcorp Genetics (formerly Invitae), Labcorp
Classification: Uncertain significance. Last evaluated: 2021-09-10. Review status: criteria provided, single submitter. Criteria: Invitae Variant Classification Sherloc (09022015). Collection method: clinical testing. Allele origin: germline.
Comment: This variant, c.1107_1178dup, results in the insertion of 24 amino acid(s) to the CCDC8 protein (p.Arg376_Gln399dup), but otherwise preserves the integrity of the reading frame. This variant is not present in population databases (ExAC no frequency). This variant has not been reported in the literature in individuals affected with CCDC8-related conditions. Experimental studies and prediction algorithms are not available or were not evaluated, and the functional significance of this variant is currently unknown. In summary, the available evidence is currently insufficient to determine the role of this variant in disease. Therefore, it has been classified as a Variant of Uncertain Significance.